The following is an entry in ClinVar:

NM_014780.5(CUL7):c.4690C>T (p.Arg1564Trp)

Gene: CUL7 (cullin 7; minus strand). Cytogenetic location: 6p21.1.
Variant type: single nucleotide variant.
Coding change: c.4690C>T on transcript NM_014780.5 (MANE Select); coding-DNA position 4690, C replaced by T.
Protein change: p.Arg1564Trp; replaces arginine 1564 with tryptophan.
Molecular consequence: missense variant.
Genome position (GRCh38, 1-based): chr6:43,038,350, G>A on the plus strand (C>T on the coding strand, the complement: CUL7 is on the minus strand). VCF-style: chr6-43038350-G-A. GRCh37 (hg19) VCF-style: chr6-43006088-G-A.
Other names: c.4702C>T, p.Arg1568Trp (NM_001374873.1); c.4687C>T, p.Arg1563Trp (NM_001374874.1); c.4786C>T, p.Arg1596Trp (NM_001168370.2, NM_001374872.1); short protein forms R1564W, R1563W, R1568W, R1596W.
Identifiers: ClinVar variation 356819 (VCV000356819.7), dbSNP rs761970375, ClinGen allele CA3813137.
Genomic context (GRCh38, chr6:43,038,350, plus strand): 5'-GCAGCCCCTCATCTCCATGGGCCTTGAGGATTCGGACGATGAGGCAGTTCAGAAGATTCC[G>A]TCTCTTCTCCAAGTTCTGGCCGTCTTCACCCTCAGCTTGCAGGTACGTCTGAGGTGGGAT-3'
Protein context (NP_055595.2, residues 1554-1574): GEDGQNLEKR[Arg1564Trp]NLLNCLIVRI

ClinVar aggregate classification (germline): Uncertain significance. Review status: criteria provided, multiple submitters, no conflicts (2 of 4 stars). 2 submissions from 2 submitters: Uncertain significance (2). Last evaluated 2021-11-24.

Conditions:
3M syndrome 1. Also called: 3-M Syndrome, CUL7-Related. Identifiers: Orphanet 2616, MedGen C2678312, MONDO:0010117, OMIM 273750.

Allele frequency attached by ClinVar (database versions not stated): ExAC 0.00001; gnomAD 0.00001 and 0.00002; gnomAD exomes 0.00001; TOPMed 0.00002.

Submissions (2):

Labcorp Genetics (formerly Invitae), Labcorp
Classification: Uncertain significance. Last evaluated: 2021-11-24. Review status: criteria provided, single submitter. Criteria: Invitae Variant Classification Sherloc (09022015). Collection method: clinical testing. Allele origin: germline.
Comment: This sequence change replaces arginine, which is basic and polar, with tryptophan, which is neutral and slightly polar, at codon 1564 of the CUL7 protein (p.Arg1564Trp). This variant is present in population databases (rs761970375, gnomAD 0.003%). This variant has not been reported in the literature in individuals affected with CUL7-related conditions. ClinVar contains an entry for this variant (Variation ID: 356819). Algorithms developed to predict the effect of missense changes on protein structure and function output the following: SIFT: "Deleterious"; PolyPhen-2: "Benign"; Align-GVGD: "Class C65". The tryptophan amino acid residue is found in multiple mammalian species, which suggests that this missense change does not adversely affect protein function. In summary, the available evidence is currently insufficient to determine the role of this variant in disease. Therefore, it has been classified as a Variant of Uncertain Significance.

Illumina Laboratory Services, Illumina
Classification: Uncertain significance for 3M syndrome 1. Last evaluated: 2018-01-13. Review status: criteria provided, single submitter. Criteria: ICSL Variant Classification Criteria 13 December 2019. Collection method: clinical testing. Allele origin: germline.